The following is an entry in ClinVar:

NM_004064.5(CDKN1B):c.280C>A (p.Pro94Thr)

Gene: CDKN1B (cyclin dependent kinase inhibitor 1B; plus strand). Cytogenetic location: 12p13.1.
Variant type: single nucleotide variant.
Coding change: c.280C>A on transcript NM_004064.5 (MANE Select); coding-DNA position 280, C replaced by A.
Protein change: p.Pro94Thr; replaces proline 94 with threonine.
Molecular consequence: missense variant.
Genome position (GRCh38, 1-based): chr12:12,718,119, C>A. VCF-style: chr12-12718119-C-A. GRCh37 (hg19) VCF-style: chr12-12871053-C-A.
Other names: short protein forms P94T.
Identifiers: ClinVar variation 2450780 (VCV002450780.2), dbSNP rs146217922, ClinGen allele CA383969989.

ClinVar aggregate classification (germline): Uncertain significance (1 of 4 stars; one submission).

Conditions:
Hereditary cancer-predisposing syndrome. Also called: Neoplastic Syndromes, Hereditary; Tumor predisposition; Hereditary neoplastic syndrome; Hereditary Cancer Syndrome. Identifiers: Orphanet 140162, MedGen C0027672, MeSH D009386, MONDO:0015356.

Submission:

Ambry Genetics
Classification: Uncertain significance for Hereditary cancer-predisposing syndrome. Last evaluated: 2022-11-30. Review status: criteria provided, single submitter. Criteria: Ambry Variant Classification Scheme 2023. Collection method: clinical testing. Allele origin: germline.
Comment: The p.P94T variant (also known as c.280C>A), located in coding exon 1 of the CDKN1B gene, results from a C to A substitution at nucleotide position 280. The proline at codon 94 is replaced by threonine, an amino acid with highly similar properties. This amino acid position is conserved. In addition, this alteration is predicted to be tolerated by in silico analysis. Since supporting evidence is limited at this time, the clinical significance of this alteration remains unclear.